The following is an entry in ClinVar:

ClinVar aggregate classification (germline): Conflicting classifications of pathogenicity. Review status: criteria provided, conflicting classifications (1 of 4 stars). 3 submissions from 3 submitters: Likely pathogenic (1); Uncertain significance (2). Last evaluated 2025-01-06.

Conditions:
Inborn genetic diseases. Identifiers: MedGen C0950123, MeSH D030342.
Bleeding disorder, platelet-type, 24. Also called: GLANZMANN THROMBASTHENIA-LIKE WITH MACROTHROMBOCYTOPENIA 2. Identifiers: MedGen C5543280, MONDO:0030996, OMIM 619271.

Allele frequency attached by ClinVar (database versions not stated): gnomAD 0.00001; ExAC 0.00002; TOPMed 0.00002.
gnomAD v4.1: 13 of 1,614,092 alleles (0.00081%); highest among the groups gnomAD compares: Admixed American, 0.005%; no homozygotes.

Submissions (3):

Labcorp Genetics (formerly Invitae), Labcorp
Classification: Likely pathogenic. Last evaluated: 2025-01-06. Review status: criteria provided, single submitter. Criteria: Invitae Variant Classification Sherloc (09022015). Collection method: clinical testing. Allele origin: germline.
Comment: This sequence change replaces arginine, which is basic and polar, with histidine, which is basic and polar, at codon 760 of the ITGB3 protein (p.Arg760His). This variant is present in population databases (rs774678642, gnomAD 0.006%). This variant has not been reported in the literature in individuals affected with ITGB3-related conditions. ClinVar contains an entry for this variant (Variation ID: 2408588). Invitae Evidence Modeling of protein sequence and biophysical properties (such as structural, functional, and spatial information, amino acid conservation, physicochemical variation, residue mobility, and thermodynamic stability) indicates that this missense variant is expected to disrupt ITGB3 protein function with a positive predictive value of 95%. This variant disrupts the p.Arg760 amino acid residue in ITGB3. Other variant(s) that disrupt this residue have been determined to be pathogenic (PMID: 33276370). This suggests that this residue is clinically significant, and that variants that disrupt this residue are likely to be disease-causing. In summary, the currently available evidence indicates that the variant is pathogenic, but additional data are needed to prove that conclusively. Therefore, this variant has been classified as Likely Pathogenic.

Baylor Genetics
Classification: Uncertain significance for Bleeding disorder, platelet-type, 24. Last evaluated: 2023-12-21. Review status: criteria provided, single submitter. Criteria: ACMG Guidelines, 2015. Collection method: clinical testing. Allele origin: unknown.

Ambry Genetics
Classification: Uncertain significance for Inborn genetic diseases. Last evaluated: 2021-08-02. Review status: criteria provided, single submitter. Criteria: Ambry Variant Classification Scheme 2023. Collection method: clinical testing. Allele origin: germline.

Literature cited by the submitters: PubMed 33276370 (cited by Labcorp Genetics (formerly Invitae), Labcorp).

NM_000212.3(ITGB3):c.2279G>A (p.Arg760His)

Genes: EFCAB13-DT (EFCAB13 divergent transcript; minus strand), ITGB3 (integrin subunit beta 3; plus strand). Cytogenetic location: 17q21.32.
Variant type: single nucleotide variant.
Coding change: c.2279G>A on transcript NM_000212.3 (MANE Select); coding-DNA position 2279, G replaced by A.
Protein change: p.Arg760His; replaces arginine 760 with histidine.
Molecular consequence: missense variant.
Genome position (GRCh38, 1-based): chr17:47,307,615, G>A. VCF-style: chr17-47307615-G-A. GRCh37 (hg19) VCF-style: chr17-45384981-G-A.
Other names: short protein forms R760H.
Identifiers: ClinVar variation 2408588 (VCV002408588.5), dbSNP rs774678642, ClinGen allele CA8623485.
Genomic context (GRCh38, chr17:47,307,615, plus strand): 5'-TCTGGAAACTCCTCATCACCATCCACGACCGAAAAGAATTCGCTAAATTTGAGGAAGAAC[G>A]CGCCAGAGCAAAATGGGACACAGTAAGAGACGGGGCTGGGCGTTTTCTAAAGTCATTGGT-3'
Protein context (NP_000203.2, residues 750-770): RKEFAKFEEE[Arg760His]ARAKWDTANN